The following is an entry in ClinVar:

ClinVar aggregate classification (germline): Likely pathogenic. Review status: criteria provided, single submitter (1 of 4 stars). 3 submissions from 3 submitters: Likely pathogenic (1). 2 of the submissions do not count toward it. Last evaluated 2023-10-29.

Conditions:
Polyglandular autoimmune syndrome, type 1 (APS1). Also called: HYPOADRENOCORTICISM WITH HYPOPARATHYROIDISM AND SUPERFICIAL MONILIASIS; Autoimmune polyendocrinopathy syndrome , type I, with or without reversible metaphyseal dysplasia; AUTOIMMUNE POLYENDOCRINE SYNDROME, TYPE I, WITH OR WITHOUT REVERSIBLE METAPHYSEAL DYSPLASIA; APS I; Autoimmune polyendocrinopathy syndrome, type I; Whitaker syndrome. Identifiers: Orphanet 3453, MedGen C0085859, MONDO:0009411, OMIM 240300.

gnomAD v4.1: 1 of 1,612,516 alleles (0.000062%); highest among the groups gnomAD compares: Non-Finnish European, 0.000085%; no homozygotes.

Submissions (3):

Labcorp Genetics (formerly Invitae), Labcorp
Classification: Likely pathogenic for Polyglandular autoimmune syndrome, type 1. Last evaluated: 2023-10-29. Review status: criteria provided, single submitter. Criteria: Invitae Variant Classification Sherloc (09022015). Collection method: clinical testing. Allele origin: germline.
Comment: This sequence change affects a donor splice site in intron 6 of the AIRE gene. It is expected to disrupt RNA splicing. Variants that disrupt the donor or acceptor splice site typically lead to a loss of protein function (PMID: 16199547), and loss-of-function variants in AIRE are known to be pathogenic (PMID: 11524731, 26141571). This variant is present in population databases (rs138489664, gnomAD 0.0009%). This variant has not been reported in the literature in individuals affected with AIRE-related conditions. ClinVar contains an entry for this variant (Variation ID: 550699). Algorithms developed to predict the effect of sequence changes on RNA splicing suggest that this variant may disrupt the consensus splice site. In summary, the currently available evidence indicates that the variant is pathogenic, but additional data are needed to prove that conclusively. Therefore, this variant has been classified as Likely Pathogenic.

Natera, Inc.
Classification: Likely pathogenic for Polyglandular autoimmune syndrome type 1. Last evaluated: 2021-05-21. Review status: no assertion criteria provided. Collection method: clinical testing. Allele origin: germline. Not counted in ClinVar's aggregate classification.

Counsyl
Classification: Likely pathogenic for Polyglandular autoimmune syndrome, type 1. Last evaluated: 2017-02-08. Review status: no assertion criteria provided. Collection method: clinical testing. Allele origin: unknown. Not counted in ClinVar's aggregate classification.

Literature cited by the submitters: PubMed 16199547 (cited by Labcorp Genetics (formerly Invitae), Labcorp); PubMed 11524731 (cited by Labcorp Genetics (formerly Invitae), Labcorp); PubMed 26141571 (cited by Labcorp Genetics (formerly Invitae), Labcorp).

NM_000383.4(AIRE):c.798+1G>T

Gene: AIRE (autoimmune regulator; plus strand). Cytogenetic location: 21q22.3.
Variant type: single nucleotide variant.
Coding change: c.798+1G>T on transcript NM_000383.4 (MANE Select); the canonical splice donor site of the intron after coding-DNA position 798, G replaced by T.
Molecular consequence: splice donor variant.
Genome position (GRCh38, 1-based): chr21:44,289,803, G>T. VCF-style: chr21-44289803-G-T. GRCh37 (hg19) VCF-style: chr21-45709686-G-T.
Identifiers: ClinVar variation 550699 (VCV000550699.13), dbSNP rs138489664, ClinGen allele CA10051713.